The following is an entry in ClinVar:

ClinVar aggregate classification (germline): Uncertain significance (1 of 4 stars; one submission).

Allele frequency attached by ClinVar (database versions not stated): gnomAD exomes below 0.00001.

Submission:

Labcorp Genetics (formerly Invitae), Labcorp
Classification: Uncertain significance. Last evaluated: 2022-01-26. Review status: criteria provided, single submitter. Criteria: Invitae Variant Classification Sherloc (09022015). Collection method: clinical testing. Allele origin: germline.
Comment: In summary, the available evidence is currently insufficient to determine the role of this variant in disease. Therefore, it has been classified as a Variant of Uncertain Significance. Advanced modeling of protein sequence and biophysical properties (such as structural, functional, and spatial information, amino acid conservation, physicochemical variation, residue mobility, and thermodynamic stability) performed at Invitae indicates that this missense variant is not expected to disrupt COL7A1 protein function. This variant has not been reported in the literature in individuals affected with COL7A1-related conditions. This variant is not present in population databases (gnomAD no frequency). This sequence change replaces aspartic acid, which is acidic and polar, with asparagine, which is neutral and polar, at codon 2555 of the COL7A1 protein (p.Asp2555Asn).

NM_000094.4(COL7A1):c.7663G>A (p.Asp2555Asn)

Gene: COL7A1 (collagen type VII alpha 1 chain; minus strand). Cytogenetic location: 3p21.31.
Variant type: single nucleotide variant.
Coding change: c.7663G>A on transcript NM_000094.4 (MANE Select); coding-DNA position 7663, G replaced by A.
Protein change: p.Asp2555Asn; replaces aspartic acid 2555 with asparagine.
Molecular consequence: missense variant.
Genome position (GRCh38, 1-based): chr3:48,569,398, C>T on the plus strand (G>A on the coding strand, the complement: COL7A1 is on the minus strand). VCF-style: chr3-48569398-C-T. GRCh37 (hg19) VCF-style: chr3-48606831-C-T.
Other names: short protein forms D2555N.
Identifiers: ClinVar variation 2146795 (VCV002146795.4), dbSNP rs2530843583, ClinGen allele CA352643723.